The following is an entry in ClinVar:

ClinVar aggregate classification (germline): Uncertain significance (1 of 4 stars; one submission).

Submission:

GeneDx
Classification: Uncertain significance. Last evaluated: 2025-07-07. Review status: criteria provided, single submitter. Criteria: GeneDx Variant Classification Process June 2021. Collection method: clinical testing. Allele origin: germline. Affected: yes.
Comment: Not observed at significant frequency in large population cohorts (gnomAD); In silico analysis supports that this missense variant has a deleterious effect on protein structure/function; Has not been previously published as pathogenic or benign to our knowledge

NM_005445.4(SMC3):c.1811A>T (p.Asn604Ile)

Gene: SMC3 (structural maintenance of chromosomes 3; plus strand). Cytogenetic location: 10q25.2.
Variant type: single nucleotide variant.
Coding change: c.1811A>T on transcript NM_005445.4 (MANE Select); coding-DNA position 1811, A replaced by T.
Protein change: p.Asn604Ile; replaces asparagine 604 with isoleucine.
Molecular consequence: missense variant.
Genome position (GRCh38, 1-based): chr10:110,591,131, A>T. VCF-style: chr10-110591131-A-T. GRCh37 (hg19) VCF-style: chr10-112350889-A-T.
Other names: short protein forms N604I.
Identifiers: ClinVar variation 4685157 (VCV004685157.1).